The following is an entry in ClinVar:

NM_001040108.2(MLH3):c.1384G>T (p.Asp462Tyr)

Gene: MLH3 (mutL homolog 3; minus strand). Cytogenetic location: 14q24.3.
Variant type: single nucleotide variant.
Coding change: c.1384G>T on transcript NM_001040108.2 (MANE Select); coding-DNA position 1384, G replaced by T.
Protein change: p.Asp462Tyr; replaces aspartic acid 462 with tyrosine.
Molecular consequence: missense variant.
Genome position (GRCh38, 1-based): chr14:75,048,272, C>A on the plus strand (G>T on the coding strand, the complement: MLH3 is on the minus strand). VCF-style: chr14-75048272-C-A. GRCh37 (hg19) VCF-style: chr14-75514975-C-A.
Other names: c.1384G>T, p.Asp462Tyr (NM_014381.3); short protein forms D462Y.
Identifiers: ClinVar variation 1771361 (VCV001771361.2), dbSNP rs369525473, ClinGen allele CA390446071.

ClinVar aggregate classification (germline): Uncertain significance (1 of 4 stars; one submission).

Submission:

Ambry Genetics
Classification: Uncertain significance. Last evaluated: 2021-12-11. Review status: criteria provided, single submitter. Criteria: Ambry Variant Classification Scheme 2023. Collection method: clinical testing. Allele origin: germline.
Comment: The p.D462Y variant (also known as c.1384G>T), located in coding exon 1 of the MLH3 gene, results from a G to T substitution at nucleotide position 1384. The aspartic acid at codon 462 is replaced by tyrosine, an amino acid with highly dissimilar properties. This amino acid position is conserved. In addition, this alteration is predicted to be tolerated by in silico analysis. Since supporting evidence is limited at this time, the clinical significance of this alteration remains unclear.